The following is an entry in ClinVar:

ClinVar aggregate classification (germline): Uncertain significance (1 of 4 stars; one submission).

Submission:

Labcorp Genetics (formerly Invitae), Labcorp
Classification: Uncertain significance. Last evaluated: 2023-07-25. Review status: criteria provided, single submitter. Criteria: Invitae Variant Classification Sherloc (09022015). Collection method: clinical testing. Allele origin: germline.
Comment: This sequence change creates a premature translational stop signal (p.Arg536Glyfs*46) in the ANKRD26 gene. It is expected to result in an absent or disrupted protein product. However, the current clinical and genetic evidence is not sufficient to establish whether loss-of-function variants in ANKRD26 cause disease. This variant is not present in population databases (gnomAD no frequency). This variant has not been reported in the literature in individuals affected with ANKRD26-related conditions. In summary, the available evidence is currently insufficient to determine the role of this variant in disease. Therefore, it has been classified as a Variant of Uncertain Significance.

NM_014915.3(ANKRD26):c.1606del (p.Arg536fs)

Gene: ANKRD26 (ankyrin repeat domain 26; minus strand). Cytogenetic location: 10p12.1.
Variant type: Deletion.
Coding change: c.1606del on transcript NM_014915.3 (MANE Select); coding-DNA position 1606, one base deleted (A; older notation c.1606delA).
Protein change: p.Arg536fs; shifts the reading frame from arginine 536.
Molecular consequence: frameshift variant.
Genome position (GRCh38, 1-based): chr10:27,053,349, T deleted on the plus strand (A on the coding strand, the reverse complement: ANKRD26 is on the minus strand); the first of 3 consecutive T bases (chr10:27,053,349-27,053,351); deleting any one gives the same sequence. VCF-style (leftmost placement, unchanged base first): chr10-27053348-CT-C. GRCh37 (hg19) VCF-style: chr10-27342277-CT-C.
Other names: c.1606del, p.Arg536fs (NM_001256053.2); short protein forms R536fs.
Identifiers: ClinVar variation 3022032 (VCV003022032.3), dbSNP rs2538936689, ClinGen allele CA2740092975.